The following is an entry in ClinVar:

ClinVar aggregate classification (germline): Uncertain significance (1 of 4 stars; one submission).

Submission:

Labcorp Genetics (formerly Invitae), Labcorp
Classification: Uncertain significance. Last evaluated: 2025-07-29. Review status: criteria provided, single submitter. Criteria: Invitae Variant Classification Sherloc (09022015). Collection method: clinical testing. Allele origin: germline.
Comment: This sequence change replaces leucine, which is neutral and non-polar, with valine, which is neutral and non-polar, at codon 1028 of the DUOX2 protein (p.Leu1028Val). This variant is present in population databases (rs757452124, gnomAD 0.002%). This variant has not been reported in the literature in individuals affected with DUOX2-related conditions. Invitae Evidence Modeling of protein sequence and biophysical properties (such as structural, functional, and spatial information, amino acid conservation, physicochemical variation, residue mobility, and thermodynamic stability) indicates that this missense variant is not expected to disrupt DUOX2 protein function with a negative predictive value of 80%. In summary, the available evidence is currently insufficient to determine the role of this variant in disease. Therefore, it has been classified as a Variant of Uncertain Significance.

NM_001363711.2(DUOX2):c.3082C>G (p.Leu1028Val)

Gene: DUOX2 (dual oxidase 2; minus strand). Cytogenetic location: 15q21.1.
Variant type: single nucleotide variant.
Coding change: c.3082C>G on transcript NM_001363711.2 (MANE Select); coding-DNA position 3082, C replaced by G.
Protein change: p.Leu1028Val; replaces leucine 1028 with valine.
Molecular consequence: missense variant.
Genome position (GRCh38, 1-based): chr15:45,100,152, G>C on the plus strand (C>G on the coding strand, the complement: DUOX2 is on the minus strand). VCF-style: chr15-45100152-G-C. GRCh37 (hg19) VCF-style: chr15-45392350-G-C.
Other names: c.3082C>G, p.Leu1028Val (NM_014080.5); short protein forms L1028V.
Identifiers: ClinVar variation 4736899 (VCV004736899.1).